The following is an entry in ClinVar:

ClinVar aggregate classification (germline): Likely pathogenic. Review status: criteria provided, multiple submitters, no conflicts (2 of 4 stars). 3 submissions from 3 submitters: Likely pathogenic (3). Last evaluated 2024-02-04.

Conditions:
Sulfite oxidase deficiency. Also called: Isolated sulfite oxidase deficiency. Identifiers: Orphanet 833, Orphanet 99731, MedGen C0268624, MONDO:0010089, OMIM 272300, HP:0003643.
Sulfocysteinuria. Identifiers: MedGen C2931746, HP:0032350.

gnomAD v4.1: 5 of 1,614,222 alleles (0.00031%); highest among the groups gnomAD compares: Non-Finnish European, 0.00042%; no homozygotes.

Submissions (3):

Labcorp Genetics (formerly Invitae), Labcorp
Classification: Likely pathogenic for Sulfite oxidase deficiency. Last evaluated: 2024-02-04. Review status: criteria provided, single submitter. Criteria: Invitae Variant Classification Sherloc (09022015). Collection method: clinical testing. Allele origin: germline.
Comment: This sequence change affects an acceptor splice site in intron 4 of the SUOX gene. It is expected to disrupt RNA splicing. Variants that disrupt the donor or acceptor splice site typically lead to a loss of protein function (PMID: 16199547), and loss-of-function variants in SUOX are known to be pathogenic (PMID: 1212661, 9600976, 15952210, 32978145). This variant is present in population databases (no rsID available, gnomAD 0.0009%). This variant has not been reported in the literature in individuals affected with SUOX-related conditions. ClinVar contains an entry for this variant (Variation ID: 2577290). Algorithms developed to predict the effect of sequence changes on RNA splicing suggest that this variant may disrupt the consensus splice site. In summary, the currently available evidence indicates that the variant is pathogenic, but additional data are needed to prove that conclusively. Therefore, this variant has been classified as Likely Pathogenic.

Women's Health and Genetics/Laboratory Corporation of America, LabCorp
Classification: Likely pathogenic for Sulfocysteinuria. Last evaluated: 2023-07-02. Review status: criteria provided, single submitter. Criteria: LabCorp Variant Classification Summary - May 2015. Collection method: clinical testing. Allele origin: germline.
Comment: Variant summary: SUOX c.51-2A>C is located in a canonical splice-site and is predicted to affect mRNA splicing resulting in a significantly altered protein due to either exon skipping, shortening, or inclusion of intronic material. Several computational tools predict a significant impact on normal splicing: Four predict the variant abolishes the canonical 3' acceptor site. However, these predictions have yet to be confirmed by functional studies. The variant allele was found at a frequency of 4e-06 in 251484 control chromosomes (gnomAD). To our knowledge, no occurrence of c.51-2A>C in individuals affected with Sulfite Oxidase Deficiency and no experimental evidence demonstrating its impact on protein function have been reported. No submitters have cited clinical-significance assessments for this variant to ClinVar after 2014. Based on the evidence outlined above, the variant was classified as likely pathogenic.

Department of Pathology and Laboratory Medicine, Sinai Health System
Classification: Likely pathogenic for Sulfite oxidase deficiency. Last evaluated: 2022-05-17. Review status: criteria provided, single submitter. Criteria: ACMG Guidelines, 2015. Collection method: research. Allele origin: germline.

Literature cited by the submitters: PubMed 16199547 (cited by Labcorp Genetics (formerly Invitae), Labcorp); PubMed 1212661 (cited by Labcorp Genetics (formerly Invitae), Labcorp); PubMed 9600976 (cited by Labcorp Genetics (formerly Invitae), Labcorp); PubMed 15952210 (cited by Labcorp Genetics (formerly Invitae), Labcorp); PubMed 32978145 (cited by Labcorp Genetics (formerly Invitae), Labcorp).

NM_001032386.2(SUOX):c.51-2A>C

Gene: SUOX (sulfite oxidase; plus strand). Cytogenetic location: 12q13.2.
Variant type: single nucleotide variant.
Coding change: c.51-2A>C on transcript NM_001032386.2 (MANE Select); the canonical splice acceptor site of the intron before coding-DNA position 51, A replaced by C.
Molecular consequence: splice acceptor variant.
Genome position (GRCh38, 1-based): chr12:56,002,541, A>C. VCF-style: chr12-56002541-A-C. GRCh37 (hg19) VCF-style: chr12-56396325-A-C.
Other names: c.51-2A>C (NM_000456.3, NM_001032387.2).
Identifiers: ClinVar variation 2577290 (VCV002577290.4), dbSNP rs1273768268, ClinGen allele CA385278973.
Genomic context (GRCh38, chr12:56,002,541, plus strand): 5'-CCAAGCCTTCACTAGCCCTTTCACATGACCATACGTGCTACTAAGACCGACCTCTCTTCC[A>C]GACTCAAGTCAATCCCCTCAAGGATCTGCATTCAGGCCTGCTCCACAAATGATTCATTTC-3'